The following is an entry in ClinVar:

NM_014014.5(SNRNP200):c.2840C>T (p.Pro947Leu)

Gene: SNRNP200 (small nuclear ribonucleoprotein U5 subunit 200; minus strand). Cytogenetic location: 2q11.2.
Variant type: single nucleotide variant.
Coding change: c.2840C>T on transcript NM_014014.5 (MANE Select); coding-DNA position 2840, C replaced by T.
Protein change: p.Pro947Leu; replaces proline 947 with leucine.
Molecular consequence: missense variant.
Genome position (GRCh38, 1-based): chr2:96,289,899, G>A on the plus strand (C>T on the coding strand, the complement: SNRNP200 is on the minus strand). VCF-style: chr2-96289899-G-A. GRCh37 (hg19) VCF-style: chr2-96955637-G-A.
Other names: short protein forms P947L.
Identifiers: ClinVar variation 1370903 (VCV001370903.6), dbSNP rs2104348526, ClinGen allele CA347674954.

ClinVar aggregate classification (germline): Uncertain significance (1 of 4 stars; one submission).

Allele frequency attached by ClinVar (database versions not stated): gnomAD exomes below 0.00001.
gnomAD v4.1: 2 of 1,614,136 alleles (0.00012%); highest among the groups gnomAD compares: Non-Finnish European, 0.00017%; no homozygotes.

Submission:

Labcorp Genetics (formerly Invitae), Labcorp
Classification: Uncertain significance. Last evaluated: 2022-03-02. Review status: criteria provided, single submitter. Criteria: Invitae Variant Classification Sherloc (09022015). Collection method: clinical testing. Allele origin: germline.
Comment: In summary, the available evidence is currently insufficient to determine the role of this variant in disease. Therefore, it has been classified as a Variant of Uncertain Significance. Algorithms developed to predict the effect of missense changes on protein structure and function (SIFT, PolyPhen-2, Align-GVGD) all suggest that this variant is likely to be tolerated. This variant has not been reported in the literature in individuals affected with SNRNP200-related conditions. This variant is not present in population databases (gnomAD no frequency). This sequence change replaces proline, which is neutral and non-polar, with leucine, which is neutral and non-polar, at codon 947 of the SNRNP200 protein (p.Pro947Leu).